The following is an entry in ClinVar:

ClinVar aggregate classification (germline): Uncertain significance. Review status: criteria provided, multiple submitters, no conflicts (2 of 4 stars). 2 submissions from 2 submitters: Uncertain significance (2). Last evaluated 2024-05-17.

Conditions:
Encephalopathy, acute, infection-induced (herpes-specific), susceptibility to, 6. Also called: Herpes simplex encephalitis, susceptibility to, 4. Identifiers: Orphanet 1930, MedGen C3553869, MONDO:0013921, OMIM 614850.

Allele frequency attached by ClinVar (database versions not stated): ESP Exome Variant Server 0.00008; 1000 Genomes Project 30x 0.00016; gnomAD 0.00013; TOPMed 0.00013.
gnomAD v4.1: 221 of 1,584,174 alleles (0.014%); highest among the groups gnomAD compares: Non-Finnish European, 0.015%; 2 homozygotes.

Submissions (2):

Fulgent Genetics
Classification: Uncertain significance for Encephalopathy, acute, infection-induced (herpes-specific), susceptibility to, 6. Last evaluated: 2024-05-17. Review status: criteria provided, single submitter. Criteria: ACMG Guidelines, 2015. Collection method: clinical testing. Allele origin: germline.

Labcorp Genetics (formerly Invitae), Labcorp
Classification: Uncertain significance for Encephalopathy, acute, infection-induced (herpes-specific), susceptibility to, 6. Last evaluated: 2022-04-28. Review status: criteria provided, single submitter. Criteria: Invitae Variant Classification Sherloc (09022015). Collection method: clinical testing. Allele origin: germline.
Comment: This sequence change replaces aspartic acid, which is acidic and polar, with asparagine, which is neutral and polar, at codon 233 of the TICAM1 protein (p.Asp233Asn). This variant is present in population databases (rs141739488, gnomAD 0.09%). This variant has not been reported in the literature in individuals affected with TICAM1-related conditions. ClinVar contains an entry for this variant (Variation ID: 647906). Algorithms developed to predict the effect of missense changes on protein structure and function (SIFT, PolyPhen-2, Align-GVGD) all suggest that this variant is likely to be tolerated. In summary, the available evidence is currently insufficient to determine the role of this variant in disease. Therefore, it has been classified as a Variant of Uncertain Significance.

NM_182919.4(TICAM1):c.697G>A (p.Asp233Asn)

Gene: TICAM1 (TIR domain containing adaptor molecule 1; minus strand). Cytogenetic location: 19p13.3.
Variant type: single nucleotide variant.
Coding change: c.697G>A on transcript NM_182919.4 (MANE Select); coding-DNA position 697, G replaced by A.
Protein change: p.Asp233Asn; replaces aspartic acid 233 with asparagine.
Molecular consequence: missense variant.
Genome position (GRCh38, 1-based): chr19:4,817,681, C>T on the plus strand (G>A on the coding strand, the complement: TICAM1 is on the minus strand). VCF-style: chr19-4817681-C-T. GRCh37 (hg19) VCF-style: chr19-4817693-C-T.
Other names: c.655G>A, p.Asp219Asn (NM_001385678.1); c.562G>A, p.Asp188Asn (NM_001385679.1); c.55G>A, p.Asp19Asn (NM_001385680.1); short protein forms D233N, D188N, D19N, D219N.
Identifiers: ClinVar variation 647906 (VCV000647906.7), dbSNP rs141739488, ClinGen allele CA9105301.